The following is an entry in ClinVar:

ClinVar aggregate classification (germline): Benign/Likely benign. Review status: criteria provided, multiple submitters, no conflicts (2 of 4 stars). 3 submissions from 3 submitters: Benign (1); Likely benign (2). Last evaluated 2018-12-20.

Conditions:
Familial apolipoprotein C-II deficiency. Also called: APOC2 DEFICIENCY; C-II ANAPOLIPOPROTEINEMIA; HYPERLIPOPROTEINEMIA, TYPE IB. Identifiers: Orphanet 309020, Orphanet 444490, MedGen C1720779, MONDO:0008810, OMIM 207750.

Allele frequency attached by ClinVar (database versions not stated): gnomAD 0.01278 and 0.01361; 1000 Genomes Project 0.01458; TOPMed 0.01499; 1000 Genomes Project 30x 0.01530.

Submissions (3):

GeneDx
Classification: Likely benign. Last evaluated: 2018-12-20. Review status: criteria provided, single submitter. Criteria: GeneDx Variant Classification Process June 2021. Collection method: clinical testing. Allele origin: germline. Affected: yes.

Illumina Laboratory Services, Illumina
Classification: Benign for Familial apolipoprotein C-II deficiency. Last evaluated: 2018-01-12. Review status: criteria provided, single submitter. Criteria: ICSL Variant Classification Criteria 13 December 2019. Collection method: clinical testing. Allele origin: germline.
Comment: This variant was observed in the ICSL laboratory as part of a predisposition screen in an ostensibly healthy population. It had not been previously curated by ICSL or reported in the Human Gene Mutation Database (HGMD: prior to June 1st, 2018), and was therefore a candidate for classification through an automated scoring system. Utilizing variant allele frequency, disease prevalence and penetrance estimates, and inheritance mode, an automated score was calculated to assess if this variant is too frequent to cause the disease. Based on the score and internal cut-off values, a variant classified as benign is not then subjected to further curation. The score for this variant resulted in a classification of benign for this disease.

Breakthrough Genomics
Classification: Likely benign. Review status: criteria provided, single submitter. Criteria: ACMG Guidelines, 2015. Collection method: not provided. Allele origin: germline. Inheritance: Autosomal recessive inheritance. Affected: yes.

NM_000483.5(APOC2):c.*90C>T

Genes: APOC4-APOC2 (APOC4-APOC2 readthrough (NMD candidate); plus strand), APOC2 (apolipoprotein C2; plus strand). Cytogenetic location: 19q13.32.
Variant type: single nucleotide variant.
Coding change: c.*90C>T on transcript NM_000483.5 (MANE Select); 90 bases downstream of the stop codon, C replaced by T.
Molecular consequence: 3 prime UTR variant. On other transcripts: non-coding transcript variant (1).
Genome position (GRCh38, 1-based): chr19:44,949,339, C>T. VCF-style: chr19-44949339-C-T. GRCh37 (hg19) VCF-style: chr19-45452596-C-T.
Identifiers: ClinVar variation 329457 (VCV000329457.8), dbSNP rs7253690, ClinGen allele CA10652059.
Genomic context (GRCh38, chr19:44,949,339, plus strand): 5'-GAGAGTCCCCTACTCCCCTGATCCCCCAGGTTCAGACTGAGCTCCCCCTTCCCAGTAGCT[C>T]TTGCATCCTCCTCCCAACTCTAGCCTGAATTCTTTTCAATAAAAAATACAATTCAAGTTG-3'